The following is an entry in ClinVar:

ClinVar aggregate classification (germline): Benign (1 of 4 stars; one submission).

Conditions:
Isolated focal non-epidermolytic palmoplantar keratoderma. Also called: Palmoplantar keratoderma, nonepidermolytic, focal 2. Identifiers: Orphanet 448264, MedGen C4225339, MONDO:0014622, OMIM 616400.

Allele frequency attached by ClinVar (database versions not stated): gnomAD exomes 0.00001 and 0.00002; ExAC 0.00003; gnomAD 0.00005 and 0.00006; TOPMed 0.00007.
gnomAD v4.1: 19 of 1,612,682 alleles (0.0012%); highest among the groups gnomAD compares: African/African-American, 0.023%; no homozygotes.

Submission:

Illumina Laboratory Services, Illumina
Classification: Benign for Isolated focal non-epidermolytic palmoplantar keratoderma. Last evaluated: 2018-10-11. Review status: criteria provided, single submitter. Criteria: ICSL Variant Classification Criteria 13 December 2019. Collection method: clinical testing. Allele origin: germline.
Comment: This variant was observed in the ICSL laboratory as part of a predisposition screen in an ostensibly healthy population. It had not been previously curated by ICSL or reported in the Human Gene Mutation Database (HGMD: prior to June 1st, 2018), and was therefore a candidate for classification through an automated scoring system. Utilizing variant allele frequency, disease prevalence and penetrance estimates, and inheritance mode, an automated score was calculated to assess if this variant is too frequent to cause the disease. Based on the score and internal cut-off values, a variant classified as benign is not then subjected to further curation. The score for this variant resulted in a classification of benign for this disease.

NM_145068.4(TRPV3):c.643+2T>C

Gene: TRPV3 (transient receptor potential cation channel subfamily V member 3; minus strand). Cytogenetic location: 17p13.2.
Variant type: single nucleotide variant.
Coding change: c.643+2T>C on transcript NM_145068.4 (MANE Select); the canonical splice donor site of the intron after coding-DNA position 643, T replaced by C.
Molecular consequence: splice donor variant.
Genome position (GRCh38, 1-based): chr17:3,542,520, A>G on the plus strand (T>C on the coding strand, the complement: TRPV3 is on the minus strand). VCF-style: chr17-3542520-A-G. GRCh37 (hg19) VCF-style: chr17-3445814-A-G.
Other names: c.643+2T>C (NM_001258205.2).
Identifiers: ClinVar variation 892347 (VCV000892347.4), dbSNP rs746570091, ClinGen allele CA8289781.